The following is an entry in ClinVar:

ClinVar aggregate classification (germline): Likely benign (0 of 4 stars; one submission).

Conditions:
PLXNA3-related disorder. Also called: PLXNA3-related condition.

Allele frequency attached by ClinVar (database versions not stated): gnomAD exomes 0.00005; ExAC 0.00008; ESP Exome Variant Server 0.00009; gnomAD 0.00011; TOPMed 0.00014.
gnomAD v4.1: 76 of 1,208,752 alleles (0.0063%); highest among the groups gnomAD compares: African/African-American, 0.016%; no homozygotes.

Submission:

PreventionGenetics, part of Exact Sciences
Classification: Likely benign for PLXNA3-related condition. Last evaluated: 2022-01-07. Review status: no assertion criteria provided. Collection method: clinical testing. Allele origin: germline.
Comment: This variant is classified as likely benign based on ACMG/AMP sequence variant interpretation guidelines (Richards et al. 2015 PMID: 25741868, with internal and published modifications).

NM_017514.5(PLXNA3):c.4020C>T (p.Arg1340=)

Gene: PLXNA3 (plexin A3; plus strand). Cytogenetic location: Xq28.
Variant type: single nucleotide variant.
Coding change: c.4020C>T on transcript NM_017514.5 (MANE Select); coding-DNA position 4020, C replaced by T.
Protein change: p.Arg1340=; no amino-acid change (arginine 1340 retained).
Molecular consequence: synonymous variant.
Genome position (GRCh38, 1-based): chrX:154,468,359, C>T. VCF-style: chrX-154468359-C-T. GRCh37 (hg19) VCF-style: chrX-153696702-C-T.
Identifiers: ClinVar variation 3054314 (VCV003054314.2), dbSNP rs150847200, ClinGen allele CA10564786.